The following is an entry in ClinVar:

ClinVar aggregate classification (germline): Likely benign. Review status: criteria provided, multiple submitters, no conflicts (2 of 4 stars). 2 submissions from 2 submitters: Likely benign (2). Last evaluated 2023-02-01.

Allele frequency attached by ClinVar (database versions not stated): TOPMed 0.00021; ESP Exome Variant Server 0.00023; gnomAD 0.00033; ExAC 0.00040.
gnomAD v4.1: 475 of 1,610,280 alleles (0.029%); highest among the groups gnomAD compares: South Asian, 0.042%; no homozygotes.

Submissions (2):

CeGaT Center for Human Genetics Tuebingen
Classification: Likely benign. Last evaluated: 2023-02-01. Review status: criteria provided, single submitter. Criteria: CeGaT Center For Human Genetics Tuebingen Variant Classification Criteria Version 2. Collection method: clinical testing. Allele origin: germline. Affected: yes. Observed: 1 variant allele.
Comment: MVD: BP4

Ambry Genetics
Classification: Likely benign. Last evaluated: 2021-12-06. Review status: criteria provided, single submitter. Criteria: Ambry Variant Classification Scheme 2023. Collection method: clinical testing. Allele origin: germline.

NM_002461.3(MVD):c.26C>T (p.Ala9Val)

Genes: MVD (mevalonate diphosphate decarboxylase; minus strand), LOC130059740 (ATAC-STARR-seq lymphoblastoid silent region 7865; plus strand). Cytogenetic location: 16q24.2.
Variant type: single nucleotide variant.
Coding change: c.26C>T on transcript NM_002461.3 (MANE Select); coding-DNA position 26, C replaced by T.
Protein change: p.Ala9Val; replaces alanine 9 with valine.
Molecular consequence: missense variant.
Genome position (GRCh38, 1-based): chr16:88,663,055, G>A on the plus strand (C>T on the coding strand, the complement: MVD is on the minus strand). VCF-style: chr16-88663055-G-A. GRCh37 (hg19) VCF-style: chr16-88729463-G-A.
Other names: short protein forms A9V.
Identifiers: ClinVar variation 2321665 (VCV002321665.26), dbSNP rs142431370, ClinGen allele CA8229182.